The following is an entry in ClinVar:

NM_021076.4(NEFH):c.2397G>A (p.Ala799=)

Gene: NEFH (neurofilament heavy chain; plus strand). Cytogenetic location: 22q12.2.
Variant type: single nucleotide variant.
Coding change: c.2397G>A on transcript NM_021076.4 (MANE Select); coding-DNA position 2397, G replaced by A.
Protein change: p.Ala799=; no amino-acid change (alanine 799 retained).
Molecular consequence: synonymous variant.
Genome position (GRCh38, 1-based): chr22:29,490,037, G>A. VCF-style: chr22-29490037-G-A. GRCh37 (hg19) VCF-style: chr22-29886026-G-A.
Other names: p.Ala799=.
Identifiers: ClinVar variation 1654688 (VCV001654688.9), dbSNP rs376035598, ClinGen allele CA10174421.

ClinVar aggregate classification (germline): Likely benign. Review status: criteria provided, multiple submitters, no conflicts (2 of 4 stars). 2 submissions from 2 submitters: Likely benign (2). Last evaluated 2025-03-12.

Allele frequency attached by ClinVar (database versions not stated): ExAC 0.00002; gnomAD exomes 0.00002 and 0.00003; gnomAD 0.00005; TOPMed 0.00005; ESP Exome Variant Server 0.00008.
gnomAD v4.1: 57 of 1,613,146 alleles (0.0035%); highest among the groups gnomAD compares: Middle Eastern, 0.016%; no homozygotes.

Submissions (2):

Mayo Clinic Laboratories, Mayo Clinic
Classification: Likely benign. Last evaluated: 2025-03-12. Review status: criteria provided, single submitter. Criteria: ACMG Guidelines, 2015. Collection method: clinical testing. Allele origin: germline. Observed: 1 variant allele.
Comment: BP4, BP7

Labcorp Genetics (formerly Invitae), Labcorp
Classification: Likely benign. Last evaluated: 2024-11-11. Review status: criteria provided, single submitter. Criteria: Invitae Variant Classification Sherloc (09022015). Collection method: clinical testing. Allele origin: germline.